The following is an entry in ClinVar:

NM_005902.4(SMAD3):c.748G>A (p.Ala250Thr)

Gene: SMAD3 (SMAD family member 3; plus strand). Cytogenetic location: 15q22.33.
Variant type: single nucleotide variant.
Coding change: c.748G>A on transcript NM_005902.4 (MANE Select); coding-DNA position 748, G replaced by A.
Protein change: p.Ala250Thr; replaces alanine 250 with threonine.
Molecular consequence: missense variant.
Genome position (GRCh38, 1-based): chr15:67,181,330, G>A. VCF-style: chr15-67181330-G-A. GRCh37 (hg19) VCF-style: chr15-67473668-G-A.
Other names: c.433G>A, p.Ala145Thr (NM_001145102.2, NM_001407016.1); c.616G>A, p.Ala206Thr (NM_001145103.2, NM_001407012.1); c.163G>A, p.Ala55Thr (NM_001145104.2, NM_001407017.1); c.748G>A, p.Ala250Thr (NM_001407011.1, NM_001407013.1); c.601G>A, p.Ala201Thr (NM_001407014.1); c.301G>A, p.Ala101Thr (NM_001407015.1); short protein forms A101T, A145T, A201T, A206T, A250T, A55T.
Identifiers: ClinVar variation 3072228 (VCV003072228.2), dbSNP rs2140314085, ClinGen allele CA392956182.
Genomic context (GRCh38, chr15:67,181,330, plus strand): 5'-GCCTTCTGGTGCTCCATCTCCTACTACGAGCTGAACCAGCGCGTCGGGGAGACATTCCAC[G>A]CCTCGCAGCCATCCATGACTGTGGATGGCTTCACCGACCCCTCCAATTCGGAGCGCTTCT-3'
Protein context (NP_005893.1, residues 240-260): LNQRVGETFH[Ala250Thr]SQPSMTVDGF

ClinVar aggregate classification (germline): Uncertain significance. Review status: criteria provided, multiple submitters, no conflicts (2 of 4 stars). 2 submissions from 2 submitters: Uncertain significance (2). Last evaluated 2023-06-26.

Conditions:
Aneurysm-osteoarthritis syndrome. Also called: SMAD3-Related Loeys-Dietz Syndrome; ANEURYSMS-OSTEOARTHRITIS SYNDROME; Loeys-Dietz syndrome, type 1C; LOEYS-DIETZ SYNDROME WITH OSTEOARTHRITIS. Identifiers: Orphanet 284984, MedGen C3151087, MONDO:0013426, OMIM 613795.

Allele frequency attached by ClinVar (database versions not stated): gnomAD exomes below 0.00001.
gnomAD v4.1: 3 of 1,614,000 alleles (0.00019%); highest among the groups gnomAD compares: Non-Finnish European, 0.00025%; no homozygotes.

Submissions (2):

All of Us Research Program, National Institutes of Health
Classification: Uncertain significance for Aneurysm-osteoarthritis syndrome. Last evaluated: 2023-06-26. Review status: criteria provided, single submitter. Criteria: ACMG Guidelines, 2015. Collection method: clinical testing. Allele origin: germline. Inheritance: Autosomal dominant inheritance. Observed: 1 variant allele, 1 heterozygote.
Comment: This missense variant replaces alanine with threonine at codon 250 of the SMAD3 protein. Computational prediction suggests that this variant may have a deleterious impact on protein structure and function (internally defined REVEL score threshold >= 0.7, PMID: 27666373). To our knowledge, functional studies have not been reported for this variant. This variant has been reported in an individual suspected to be affected with Loeys-Dietz syndrome (PMID: 29392890). This variant has not been identified in the general population by the Genome Aggregation Database (gnomAD). The available evidence is insufficient to determine the role of this variant in disease conclusively. Therefore, this variant is classified as a Variant of Uncertain Significance.

This study involves interpretation of variants in research participants for the purpose of population health screening. Participant phenotype was not available at the time of variant classification. Additional details can be found in publication PMID: 35346344, PMCID: PMC8962531

Department of Pathology and Laboratory Medicine, Sinai Health System
Classification: Uncertain significance for Aneurysm-osteoarthritis syndrome. Last evaluated: 2021-07-30. Review status: criteria provided, single submitter. Criteria: ACMG Guidelines, 2015. Collection method: research. Allele origin: germline.

Literature cited by the submitters: PubMed 29392890 (cited by All of Us Research Program, National Institutes of Health).